The following is an entry in ClinVar:

NM_001012339.3(DNAJC21):c.271T>C (p.Tyr91His)

Gene: DNAJC21 (DnaJ heat shock protein family (Hsp40) member C21; plus strand). Cytogenetic location: 5p13.2.
Variant type: single nucleotide variant.
Coding change: c.271T>C on transcript NM_001012339.3 (MANE Select); coding-DNA position 271, T replaced by C.
Protein change: p.Tyr91His; replaces tyrosine 91 with histidine.
Molecular consequence: missense variant.
Genome position (GRCh38, 1-based): chr5:34,935,789, T>C. VCF-style: chr5-34935789-T-C. GRCh37 (hg19) VCF-style: chr5-34935894-T-C.
Other names: c.271T>C, p.Tyr91His (NM_001348420.2, NM_194283.4); short protein forms Y91H.
Identifiers: ClinVar variation 1353226 (VCV001353226.5), dbSNP rs778579354, ClinGen allele CA3228392.

ClinVar aggregate classification (germline): Uncertain significance (1 of 4 stars; one submission).

Allele frequency attached by ClinVar (database versions not stated): gnomAD exomes below 0.00001; ExAC 0.00001.
gnomAD v4.1: 2 of 1,614,074 alleles (0.00012%); highest among the groups gnomAD compares: Non-Finnish European, 0.000085%; no homozygotes.

Submission:

Labcorp Genetics (formerly Invitae), Labcorp
Classification: Uncertain significance. Last evaluated: 2021-09-02. Review status: criteria provided, single submitter. Criteria: Invitae Variant Classification Sherloc (09022015). Collection method: clinical testing. Allele origin: germline.
Comment: This sequence change replaces tyrosine with histidine at codon 91 of the DNAJC21 protein (p.Tyr91His). The tyrosine residue is moderately conserved and there is a moderate physicochemical difference between tyrosine and histidine. This variant is present in population databases (rs778579354, ExAC 0.001%). This variant has not been reported in the literature in individuals affected with DNAJC21-related conditions. Algorithms developed to predict the effect of missense changes on protein structure and function are either unavailable or do not agree on the potential impact of this missense change (SIFT: "Deleterious"; PolyPhen-2: "Probably Damaging"; Align-GVGD: "Class C0"). In summary, the available evidence is currently insufficient to determine the role of this variant in disease. Therefore, it has been classified as a Variant of Uncertain Significance.